The following is an entry in ClinVar:

ClinVar aggregate classification (germline): Uncertain significance. Review status: criteria provided, multiple submitters, no conflicts (2 of 4 stars). 2 submissions from 2 submitters: Uncertain significance (2). Last evaluated 2026-09-30.

Allele frequency attached by ClinVar (database versions not stated): gnomAD exomes below 0.00001.

Submissions (2):

GeneDx
Classification: Uncertain significance. Last evaluated: 2026-09-30. Review status: criteria provided, single submitter. Criteria: GeneDx Variant Classification Process June 2021. Collection method: clinical testing. Allele origin: germline.
Comment: Not observed at significant frequency in large population cohorts (gnomAD); In silico analysis supports that this missense variant has a deleterious effect on protein structure/function; Has not been previously published as pathogenic or benign to our knowledge

Women's Health and Genetics/Laboratory Corporation of America, LabCorp
Classification: Uncertain significance. Last evaluated: 2024-06-10. Review status: criteria provided, single submitter. Criteria: LabCorp Variant Classification Summary - May 2015. Collection method: clinical testing. Allele origin: germline.
Comment: Variant summary: ATP1A3 c.487C>T (p.Arg163Trp) results in a non-conservative amino acid change in the encoded protein sequence. Five of five in-silico tools predict a damaging effect of the variant on protein function. The variant was absent in 251478 control chromosomes. The available data on variant occurrences in the general population are insufficient to allow any conclusion about variant significance. To our knowledge, no occurrence of c.487C>T in individuals affected with ATP1A3-Related Disorders and no experimental evidence demonstrating its impact on protein function have been reported. ClinVar contains an entry for this variant (Variation ID: 2578244). Based on the evidence outlined above, the variant was classified as uncertain significance.

NM_152296.5(ATP1A3):c.487C>T (p.Arg163Trp)

Gene: ATP1A3 (ATPase Na+/K+ transporting subunit alpha 3; minus strand). Cytogenetic location: 19q13.2.
Variant type: single nucleotide variant.
Coding change: c.487C>T on transcript NM_152296.5 (MANE Select); coding-DNA position 487, C replaced by T.
Protein change: p.Arg163Trp; replaces arginine 163 with tryptophan.
Molecular consequence: missense variant.
Genome position (GRCh38, 1-based): chr19:41,985,983, G>A on the plus strand (C>T on the coding strand, the complement: ATP1A3 is on the minus strand). VCF-style: chr19-41985983-G-A. GRCh37 (hg19) VCF-style: chr19-42490135-G-A.
Other names: c.520C>T, p.Arg174Trp (NM_001256213.2); c.526C>T, p.Arg176Trp (NM_001256214.2); short protein forms R163W, R174W, R176W.
Identifiers: ClinVar variation 2578244 (VCV002578244.5), dbSNP rs2514078912, ClinGen allele CA406054745.